The following is an entry in ClinVar:

NM_005732.4(RAD50):c.3599G>C (p.Arg1200Pro)

Genes: RAD50 (RAD50 double strand break repair protein; plus strand), TH2LCRR (T helper type 2 locus control region associated RNA; minus strand), TH2-LCR (Th2 cytokine locus control region; plus strand). Cytogenetic location: 5q31.1.
Variant type: single nucleotide variant.
Coding change: c.3599G>C on transcript NM_005732.4 (MANE Select); coding-DNA position 3599, G replaced by C.
Protein change: p.Arg1200Pro; replaces arginine 1200 with proline.
Molecular consequence: missense variant. On other transcripts: non-coding transcript variant (3).
Genome position (GRCh38, 1-based): chr5:132,638,204, G>C. VCF-style: chr5-132638204-G-C. GRCh37 (hg19) VCF-style: chr5-131973896-G-C.
Other names: short protein forms R1200P.
Identifiers: ClinVar variation 861729 (VCV000861729.11), dbSNP rs923849735, ClinGen allele CA127235286.

ClinVar aggregate classification (germline): Uncertain significance. Review status: criteria provided, multiple submitters, no conflicts (2 of 4 stars). 3 submissions from 3 submitters: Uncertain significance (3). Last evaluated 2025-09-22.

Conditions:
Hereditary cancer-predisposing syndrome. Also called: Tumor predisposition; Hereditary neoplastic syndrome; Neoplastic Syndromes, Hereditary; Hereditary Cancer Syndrome. Identifiers: Orphanet 140162, MedGen C0027672, MeSH D009386, MONDO:0015356.

Submissions (3):

Women's Health and Genetics/Laboratory Corporation of America, LabCorp
Classification: Uncertain significance. Last evaluated: 2025-09-22. Review status: criteria provided, single submitter. Criteria: LabCorp Variant Classification Summary - May 2015. Collection method: clinical testing. Allele origin: germline.

Labcorp Genetics (formerly Invitae), Labcorp
Classification: Uncertain significance for Hereditary cancer-predisposing syndrome. Last evaluated: 2024-04-30. Review status: criteria provided, single submitter. Criteria: Invitae Variant Classification Sherloc (09022015). Collection method: clinical testing. Allele origin: germline.
Comment: This sequence change replaces arginine, which is basic and polar, with proline, which is neutral and non-polar, at codon 1200 of the RAD50 protein (p.Arg1200Pro). This variant is not present in population databases (gnomAD no frequency). This variant has not been reported in the literature in individuals affected with RAD50-related conditions. ClinVar contains an entry for this variant (Variation ID: 861729). Advanced modeling of protein sequence and biophysical properties (such as structural, functional, and spatial information, amino acid conservation, physicochemical variation, residue mobility, and thermodynamic stability) performed at Invitae indicates that this missense variant is expected to disrupt RAD50 protein function with a positive predictive value of 80%. In summary, the available evidence is currently insufficient to determine the role of this variant in disease. Therefore, it has been classified as a Variant of Uncertain Significance.

Ambry Genetics
Classification: Uncertain significance for Hereditary cancer-predisposing syndrome. Last evaluated: 2022-03-24. Review status: criteria provided, single submitter. Criteria: Ambry Variant Classification Scheme 2023. Collection method: clinical testing. Allele origin: germline.
Comment: The p.R1200P variant (also known as c.3599G>C), located in coding exon 23 of the RAD50 gene, results from a G to C substitution at nucleotide position 3599. The arginine at codon 1200 is replaced by proline, an amino acid with dissimilar properties. This amino acid position is conserved. In addition, this alteration is predicted to be deleterious by in silico analysis. Since supporting evidence is limited at this time, the clinical significance of this alteration remains unclear.